The following is an entry in ClinVar:

NM_002206.3(ITGA7):c.2635A>G (p.Met879Val)

Gene: ITGA7 (integrin subunit alpha 7; minus strand). Cytogenetic location: 12q13.2.
Variant type: single nucleotide variant.
Coding change: c.2635A>G on transcript NM_002206.3 (MANE Select); coding-DNA position 2635, A replaced by G.
Protein change: p.Met879Val; replaces methionine 879 with valine.
Molecular consequence: missense variant.
Genome position (GRCh38, 1-based): chr12:55,693,218, T>C on the plus strand (A>G on the coding strand, the complement: ITGA7 is on the minus strand). VCF-style: chr12-55693218-T-C. GRCh37 (hg19) VCF-style: chr12-56087002-T-C.
Other names: c.2647A>G, p.Met883Val (NM_001144996.2); c.2356A>G, p.Met786Val (NM_001144997.2); c.2308A>G, p.Met770Val (NM_001367993.1); c.1291A>G, p.Met431Val (NM_001367994.1); c.2617A>G, p.Met873Val (NM_001374465.1); c.2767A>G, p.Met923Val (NM_001410977.1); c.2629A>G, p.Met877Val (NM_001414029.1); c.2560A>G, p.Met854Val (NM_001414030.1); and 5 more; short protein forms M431V, M873V, M879V, M786V, M770V, M883V, M923V, M766V.
Identifiers: ClinVar variation 845680 (VCV000845680.8), dbSNP rs755837295, ClinGen allele CA6615521.

ClinVar aggregate classification (germline): Uncertain significance. Review status: criteria provided, multiple submitters, no conflicts (2 of 4 stars). 2 submissions from 2 submitters: Uncertain significance (2). Last evaluated 2025-05-28.

Conditions:
Congenital muscular dystrophy due to integrin alpha-7 deficiency. Also called: MYOPATHY, CONGENITAL, DUE TO INTEGRIN ALPHA-7 DEFICIENCY; Congenital muscular dystrophy with integrin alpha-7 deficiency; Muscular dystrophy, congenital, due to ITGA7 deficiency. Identifiers: Orphanet 34520, MedGen C2750786, MONDO:0013177, OMIM 613204.

Allele frequency attached by ClinVar (database versions not stated): ExAC 0.00001; TOPMed 0.00001; gnomAD exomes 0.00002.

Submissions (2):

Ambry Genetics
Classification: Uncertain significance. Last evaluated: 2025-05-28. Review status: criteria provided, single submitter. Criteria: Ambry Variant Classification Scheme 2023. Collection method: clinical testing. Allele origin: germline.

Labcorp Genetics (formerly Invitae), Labcorp
Classification: Uncertain significance for Congenital muscular dystrophy due to integrin alpha-7 deficiency. Last evaluated: 2021-09-01. Review status: criteria provided, single submitter. Criteria: Invitae Variant Classification Sherloc (09022015). Collection method: clinical testing. Allele origin: germline.
Comment: This sequence change replaces methionine with valine at codon 879 of the ITGA7 protein (p.Met879Val). The methionine residue is moderately conserved and there is a small physicochemical difference between methionine and valine. This variant is present in population databases (rs755837295, ExAC 0.01%). This variant has not been reported in the literature in individuals affected with ITGA7-related conditions. Algorithms developed to predict the effect of missense changes on protein structure and function output the following: SIFT: "Tolerated"; PolyPhen-2: "Benign"; Align-GVGD: "Class C0". The valine amino acid residue is found in multiple mammalian species, which suggests that this missense change does not adversely affect protein function. Algorithms developed to predict the effect of sequence changes on RNA splicing suggest that this variant may create or strengthen a splice site. In summary, the available evidence is currently insufficient to determine the role of this variant in disease. Therefore, it has been classified as a Variant of Uncertain Significance.